The following is an entry in ClinVar:

ClinVar aggregate classification (germline): Uncertain significance. Review status: criteria provided, multiple submitters, no conflicts (2 of 4 stars). 2 submissions from 2 submitters: Uncertain significance (2). Last evaluated 2024-05-27.

Conditions:
Epidermolysis bullosa simplex 5B, with muscular dystrophy (EBS5B). Also called: EPIDERMOLYSIS BULLOSA SIMPLEX AND LIMB-GIRDLE MUSCULAR DYSTROPHY; Epidermolysis bullosa simplex with muscular dystrophy. Identifiers: Orphanet 257, MedGen C2931072, MONDO:0009181, OMIM 226670.
Epidermolysis bullosa simplex, Ogna type (EBS5A). Also called: Pidermolysis bullosa simplex 5A, Ogna type; EPIDERMOLYSIS BULLOSA SIMPLEX 5A, OGNA TYPE. Identifiers: Orphanet 79401, MedGen C0432317, MONDO:0007555, OMIM 131950.
Epidermolysis bullosa simplex 5C, with pyloric atresia (EBS5C). Also called: PLEC-Related Epidermolysis Bullosa with Pyloric Atresia; Epidermolysis bullosa simplex with pyloric atresia; PLEC1-Related Epidermolysis Bullosa with Pyloric Atresia. Identifiers: Orphanet 158684, MedGen C2677349, MONDO:0012807, OMIM 612138.
Autosomal recessive limb-girdle muscular dystrophy type 2Q (LGMDR17). Also called: MUSCULAR DYSTROPHY, LIMB-GIRDLE, AUTOSOMAL RECESSIVE 17. Identifiers: Orphanet 254361, MedGen C3150989, MONDO:0013390, OMIM 613723.
Epidermolysis bullosa simplex with nail dystrophy (EBS5D). Identifiers: MedGen C4225309, MONDO:0014661, OMIM 616487.

Allele frequency attached by ClinVar (database versions not stated): TOPMed below 0.00001; gnomAD exomes 0.00001.
gnomAD v4.1: 3 of 1,609,928 alleles (0.00019%); highest among the groups gnomAD compares: East Asian, 0.0022%; no homozygotes.

Submissions (2):

Revvity Omics, Revvity
Classification: Uncertain significance. Last evaluated: 2024-05-27. Review status: criteria provided, single submitter. Criteria: ACMG Guidelines, 2015. Collection method: clinical testing. Allele origin: germline.

Labcorp Genetics (formerly Invitae), Labcorp
Classification: Uncertain significance for Autosomal recessive limb-girdle muscular dystrophy type 2Q; Epidermolysis bullosa simplex, Ogna type; Epidermolysis bullosa simplex with nail dystrophy; Epidermolysis bullosa simplex 5C, with pyloric atresia; Epidermolysis bullosa simplex 5B, with muscular dystrophy. Last evaluated: 2022-08-19. Review status: criteria provided, single submitter. Criteria: Invitae Variant Classification Sherloc (09022015). Collection method: clinical testing. Allele origin: germline.
Comment: This sequence change replaces arginine, which is basic and polar, with histidine, which is basic and polar, at codon 3787 of the PLEC protein (p.Arg3787His). In summary, the available evidence is currently insufficient to determine the role of this variant in disease. Therefore, it has been classified as a Variant of Uncertain Significance. Algorithms developed to predict the effect of missense changes on protein structure and function are either unavailable or do not agree on the potential impact of this missense change (SIFT: "Deleterious"; PolyPhen-2: "Probably Damaging"; Align-GVGD: "Class C0"). This variant has not been reported in the literature in individuals affected with PLEC-related conditions. The frequency data for this variant in the population databases is considered unreliable, as metrics indicate poor data quality at this position in the gnomAD database.

NM_201384.3(PLEC):c.11279G>A (p.Arg3760His)

Gene: PLEC (plectin; minus strand). Cytogenetic location: 8q24.3.
Variant type: single nucleotide variant.
Coding change: c.11279G>A on transcript NM_201384.3 (MANE Select); coding-DNA position 11279, G replaced by A.
Protein change: p.Arg3760His; replaces arginine 3760 with histidine.
Molecular consequence: missense variant.
Genome position (GRCh38, 1-based): chr8:143,918,542, C>T on the plus strand (G>A on the coding strand, the complement: PLEC is on the minus strand). VCF-style: chr8-143918542-C-T. GRCh37 (hg19) VCF-style: chr8-144992710-C-T.
Other names: c.11360G>A, p.Arg3787His (NM_000445.5); c.7979G>A, p.Arg2660His (NM_001410941.1); c.11237G>A, p.Arg3746His (NM_201378.4); c.11213G>A, p.Arg3738His (NM_201379.3); c.11690G>A, p.Arg3897His (NM_201380.4); c.11183G>A, p.Arg3728His (NM_201381.3); c.11279G>A, p.Arg3760His (NM_201382.4); c.11291G>A, p.Arg3764His (NM_201383.3); short protein forms R3738H, R2660H, R3728H, R3760H, R3897H, R3746H, R3764H, R3787H.
Identifiers: ClinVar variation 2056071 (VCV002056071.5), dbSNP rs1554675610, ClinGen allele CA372493262.
Genomic context (GRCh38, chr8:143,918,542, plus strand): 5'-ATGGTCTGCTCGGTGTAGGGGTCACGGTAGCCGGTGACCGCCCGCTCAGCCGAGAGCAGG[C>T]GGTCGTGCAGCTCGGGCCCCACGAGGCCCTTCCGCACAGCCTCATCCACAGTCAGCCGCT-3'
Protein context (NP_958786.1, residues 3750-3770): KGLVGPELHD[Arg3760His]LLSAERAVTG